The following is an entry in ClinVar:

NM_000245.4(MET):c.624T>C (p.Asp208=)

Gene: MET (MET proto-oncogene, receptor tyrosine kinase; plus strand). Cytogenetic location: 7q31.2.
Variant type: single nucleotide variant.
Coding change: c.624T>C on transcript NM_000245.4 (MANE Select); coding-DNA position 624, T replaced by C.
Protein change: p.Asp208=; no amino-acid change (aspartic acid 208 retained).
Molecular consequence: synonymous variant. On other transcripts: intron variant (1).
Genome position (GRCh38, 1-based): chr7:116,699,708, T>C. VCF-style: chr7-116699708-T-C. GRCh37 (hg19) VCF-style: chr7-116339762-T-C.
Other names: c.624T>C, p.Asp208= (NM_001127500.3, NM_001324401.3); c.-91+27131T>C (NM_001324402.2).
Identifiers: ClinVar variation 1103385 (VCV001103385.12), dbSNP rs1285814811, ClinGen allele CA457447807.
Genomic context (GRCh38, chr7:116,699,708, plus strand): 5'-AAAGGACCGGTTCATCAACTTCTTTGTAGGCAATACCATAAATTCTTCTTATTTCCCAGA[T>C]CATCCATTGCATTCGATATCAGTGAGAAGGCTAAAGGAAACGAAAGATGGTTTTATGTTT-3'
Protein context (NP_000236.2, residues 198-218): GNTINSSYFP[Asp208=]HPLHSISVRR

ClinVar aggregate classification (germline): Benign/Likely benign. Review status: criteria provided, multiple submitters, no conflicts (2 of 4 stars). 3 submissions from 3 submitters: Benign (1); Likely benign (2). Last evaluated 2025-02-18.

Conditions:
Hereditary cancer-predisposing syndrome. Also called: Tumor predisposition; Neoplastic Syndromes, Hereditary; Hereditary Cancer Syndrome; Hereditary neoplastic syndrome. Identifiers: Orphanet 140162, MedGen C0027672, MeSH D009386, MONDO:0015356.
Renal cell carcinoma. Identifiers: Orphanet 217071, MedGen C0007134, MeSH D002292, MONDO:0005086, HP:0005584.
Papillary renal cell carcinoma type 1 (RCCP1). Also called: RENAL CELL CARCINOMA, PAPILLARY, 1, SOMATIC; Renal adenocarcinoma; Renal cell carcinoma 1; Renal cell carcinoma, somatic. Identifiers: Orphanet 47044, MedGen C1336839, OMIM 605074, HP:0011797.

Allele frequency attached by ClinVar (database versions not stated): gnomAD 0.00001; gnomAD exomes 0.00001; TOPMed 0.00001.
gnomAD v4.1: 14 of 1,613,930 alleles (0.00087%); highest among the groups gnomAD compares: Non-Finnish European, 0.0012%; no homozygotes.

Submissions (3):

Labcorp Genetics (formerly Invitae), Labcorp
Classification: Likely benign for Renal cell carcinoma. Last evaluated: 2025-02-18. Review status: criteria provided, single submitter. Criteria: Invitae Variant Classification Sherloc (09022015). Collection method: clinical testing. Allele origin: germline.

Myriad Genetics, Inc.
Classification: Benign for Papillary renal cell carcinoma type 1. Last evaluated: 2024-11-06. Review status: criteria provided, single submitter. Criteria: Myriad Autosomal Dominant, Autosomal Recessive and X-Linked Classification Criteria (2023). Collection method: clinical testing. Allele origin: unknown.
Comment: This variant is considered benign. This variant is a silent/synonymous amino acid change and it is not expected to impact splicing.

Ambry Genetics
Classification: Likely benign for Hereditary cancer-predisposing syndrome. Last evaluated: 2021-09-29. Review status: criteria provided, single submitter. Criteria: Ambry Variant Classification Scheme 2023. Collection method: clinical testing. Allele origin: germline.